The following is an entry in ClinVar:

ClinVar aggregate classification (germline): Uncertain significance (1 of 4 stars; one submission).

Conditions:
Wilson disease (WND). Also called: Wilson's disease. Identifiers: Orphanet 905, MedGen C0019202, MONDO:0010200, OMIM 277900. Disease mechanism: loss of function.

Allele frequency attached by ClinVar (database versions not stated): ExAC 0.00001; gnomAD 0.00001; gnomAD exomes 0.00001.
gnomAD v4.1: 16 of 1,613,972 alleles (0.00099%); highest among the groups gnomAD compares: South Asian, 0.014%; 1 homozygote.

Submission:

All of Us Research Program, National Institutes of Health
Classification: Uncertain significance for Wilson disease. Last evaluated: 2023-11-02. Review status: criteria provided, single submitter. Criteria: ACMG Guidelines, 2015. Collection method: clinical testing. Allele origin: germline. Inheritance: Autosomal recessive inheritance. Observed: 1 variant allele, 1 heterozygote.
Comment: This missense variant replaces leucine with serine at codon 292 of the ATP7B protein. Computational prediction suggests that this variant may have deleterious impact on protein structure and function (internally defined REVEL score threshold >= 0.7, PMID: 27666373). To our knowledge, functional studies have not been reported for this variant. This variant has not been reported in individuals affected with ATP7B-related disorders in the literature. This variant has been identified in 7/248480 chromosomes in the general population by the Genome Aggregation Database (gnomAD). The available evidence is insufficient to determine the role of this variant in disease conclusively. Therefore, this variant is classified as a Variant of Uncertain Significance.

This study involves interpretation of variants in research participants for the purpose of population health screening. Participant phenotype was not available at the time of variant classification. Additional details can be found in publication PMID: 35346344, PMCID: PMC8962531

NM_000053.4(ATP7B):c.875T>C (p.Leu292Ser)

Gene: ATP7B (ATPase copper transporting beta; minus strand). Cytogenetic location: 13q14.3.
Variant type: single nucleotide variant.
Coding change: c.875T>C on transcript NM_000053.4 (MANE Select); coding-DNA position 875, T replaced by C.
Protein change: p.Leu292Ser; replaces leucine 292 with serine.
Molecular consequence: missense variant. On other transcripts: intron variant (2).
Genome position (GRCh38, 1-based): chr13:51,974,345, A>G on the plus strand (T>C on the coding strand, the complement: ATP7B is on the minus strand). VCF-style: chr13-51974345-A-G. GRCh37 (hg19) VCF-style: chr13-52548481-A-G.
Other names: c.779T>C, p.Leu260Ser (NM_001406530.1, NM_001406536.1, NM_001406543.1 and 3 more transcripts); c.875T>C, p.Leu292Ser (NM_001406531.1, NM_001406532.1, NM_001406534.1 and 29 more transcripts); c.802+73T>C (NM_001243182.2); c.706+73T>C (NM_001406539.1); short protein forms L260S, L292S.
Identifiers: ClinVar variation 3074197 (VCV003074197.1), dbSNP rs764985395, ClinGen allele CA6989481.